The following is an entry in ClinVar:

NM_000038.6(APC):c.3509A>C (p.Lys1170Thr)

Gene: APC (APC regulator of Wnt signaling pathway; plus strand). Cytogenetic location: 5q22.2.
Variant type: single nucleotide variant.
Coding change: c.3509A>C on transcript NM_000038.6 (MANE Select); coding-DNA position 3509, A replaced by C.
Protein change: p.Lys1170Thr; replaces lysine 1170 with threonine.
Molecular consequence: missense variant.
Genome position (GRCh38, 1-based): chr5:112,839,103, A>C. VCF-style: chr5-112839103-A-C. GRCh37 (hg19) VCF-style: chr5-112174800-A-C.
Other names: c.3509A>C, p.Lys1170Thr (NM_001127510.3, NM_001354895.2); c.3455A>C, p.Lys1152Thr (NM_001127511.3); c.3563A>C, p.Lys1188Thr (NM_001354896.2); c.3539A>C, p.Lys1180Thr (NM_001354897.2); c.3434A>C, p.Lys1145Thr (NM_001354898.2); c.3425A>C, p.Lys1142Thr (NM_001354899.2); c.3386A>C, p.Lys1129Thr (NM_001354900.2); c.3332A>C, p.Lys1111Thr (NM_001354901.2); and 5 more; short protein forms K1010T, K1044T, K1069T, K1079T, K1111T, K1129T, K1142T, K1145T.
Identifiers: ClinVar variation 1017705 (VCV001017705.12), dbSNP rs753325428, ClinGen allele CA16029041.

ClinVar aggregate classification (germline): Uncertain significance. Review status: criteria provided, multiple submitters, no conflicts (2 of 4 stars). 2 submissions from 2 submitters: Uncertain significance (2). Last evaluated 2022-03-05.

Conditions:
Hereditary cancer-predisposing syndrome. Also called: Tumor predisposition; Neoplastic Syndromes, Hereditary; Hereditary neoplastic syndrome; Hereditary Cancer Syndrome. Identifiers: Orphanet 140162, MedGen C0027672, MeSH D009386, MONDO:0015356.
Familial adenomatous polyposis 1 (FAP1). Also called: POLYPOSIS, ADENOMATOUS INTESTINAL; FAMILIAL ADENOMATOUS POLYPOSIS 1, ATTENUATED. Identifiers: MedGen C2713442, MONDO:0021056, OMIM 175100. Disease mechanism: loss of function.

gnomAD v4.1: 1 of 1,614,148 alleles (0.000062%); highest among the groups gnomAD compares: Admixed American, 0.0017%; no homozygotes.

Submissions (2):

Labcorp Genetics (formerly Invitae), Labcorp
Classification: Uncertain significance for Familial adenomatous polyposis 1. Last evaluated: 2022-03-05. Review status: criteria provided, single submitter. Criteria: Invitae Variant Classification Sherloc (09022015). Collection method: clinical testing. Allele origin: germline.
Comment: This variant has not been reported in the literature in individuals affected with APC-related conditions. In summary, the available evidence is currently insufficient to determine the role of this variant in disease. Therefore, it has been classified as a Variant of Uncertain Significance. Algorithms developed to predict the effect of missense changes on protein structure and function (SIFT, PolyPhen-2, Align-GVGD) all suggest that this variant is likely to be tolerated. ClinVar contains an entry for this variant (Variation ID: 1017705). This variant is not present in population databases (gnomAD no frequency). This sequence change replaces lysine, which is basic and polar, with threonine, which is neutral and polar, at codon 1170 of the APC protein (p.Lys1170Thr).

Ambry Genetics
Classification: Uncertain significance for Hereditary cancer-predisposing syndrome. Last evaluated: 2020-08-25. Review status: criteria provided, single submitter. Criteria: Ambry Variant Classification Scheme 2023. Collection method: clinical testing. Allele origin: germline.
Comment: The p.K1170T variant (also known as c.3509A>C), located in coding exon 15 of the APC gene, results from an A to C substitution at nucleotide position 3509. The lysine at codon 1170 is replaced by threonine, an amino acid with similar properties. This amino acid position is not well conserved in available vertebrate species. In addition, in silico predictors for this gene do not accurately predict pathogenicity. Since supporting evidence is limited at this time, the clinical significance of this alteration remains unclear.